The following is an entry in ClinVar:

ClinVar aggregate classification (germline): Benign/Likely benign. Review status: criteria provided, multiple submitters, no conflicts (2 of 4 stars). 2 submissions from 2 submitters: Benign (1); Likely benign (1). Last evaluated 2025-03-10.

Conditions:
Pheochromocytoma/paraganglioma syndrome 5. Also called: Paragangliomas 5; SDHA-Related Hereditary Paraganglioma-Pheochromocytoma Syndrome. Identifiers: Orphanet 29072, MedGen C3279992, MONDO:0013602, OMIM 614165.
Mitochondrial complex II deficiency, nuclear type 1. Also called: SUCCINATE CoQ REDUCTASE DEFICIENCY. Identifiers: Orphanet 3208, MedGen C5700310, MONDO:0100294, OMIM 252011.

gnomAD v4.1: 1 of 1,613,636 alleles (0.000062%); highest among the groups gnomAD compares: Non-Finnish European, 0.000085%; no homozygotes.

Submissions (2):

Myriad Genetics, Inc.
Classification: Benign for Pheochromocytoma/paraganglioma syndrome 5. Last evaluated: 2025-03-10. Review status: criteria provided, single submitter. Criteria: Myriad Autosomal Dominant, Autosomal Recessive and X-Linked Classification Criteria (2023). Collection method: clinical testing. Allele origin: unknown.
Comment: This variant is considered benign. This variant is a silent/synonymous amino acid change and it is not expected to impact splicing.

Labcorp Genetics (formerly Invitae), Labcorp
Classification: Likely benign for Pheochromocytoma/paraganglioma syndrome 5; Mitochondrial complex II deficiency, nuclear type 1. Last evaluated: 2024-12-26. Review status: criteria provided, single submitter. Criteria: Invitae Variant Classification Sherloc (09022015). Collection method: clinical testing. Allele origin: germline.

NM_004168.4(SDHA):c.1267A>C (p.Arg423=)

Gene: SDHA (succinate dehydrogenase complex flavoprotein subunit A; plus strand). Cytogenetic location: 5p15.33.
Variant type: single nucleotide variant.
Coding change: c.1267A>C on transcript NM_004168.4 (MANE Select); coding-DNA position 1267, A replaced by C.
Protein change: p.Arg423=; no amino-acid change (arginine 423 retained).
Molecular consequence: synonymous variant.
Genome position (GRCh38, 1-based): chr5:236,434, A>C. VCF-style: chr5-236434-A-C. GRCh37 (hg19) VCF-style: chr5-236549-A-C.
Other names: c.1123A>C, p.Arg375= (NM_001294332.2); c.1267A>C, p.Arg423= (NM_001330758.2).
Identifiers: ClinVar variation 3763026 (VCV003763026.3).